The following is an entry in ClinVar:

NM_001743.6(CALM2):c.4-1651A>G

Gene: CALM2 (calmodulin 2; minus strand). Cytogenetic location: 2p21.
Variant type: single nucleotide variant.
Coding change: c.4-1651A>G on transcript NM_001743.6 (MANE Select); 1651 bases into the intron before coding-DNA position 4, A replaced by G.
Molecular consequence: intron variant. On other transcripts: missense variant (1), 5 prime UTR variant (1).
Genome position (GRCh38, 1-based): chr2:47,172,415, T>C on the plus strand (A>G on the coding strand, the complement: CALM2 is on the minus strand). VCF-style: chr2-47172415-T-C. GRCh37 (hg19) VCF-style: chr2-47399554-T-C.
Other names: c.146A>G, p.Lys49Arg (NM_001305624.1); c.-1756A>G (NM_001305626.1); c.-105-1651A>G (NM_001305625.2); short protein forms K49R.
Identifiers: ClinVar variation 4813266 (VCV004813266.1).

ClinVar aggregate classification (germline): Uncertain significance (1 of 4 stars; one submission).

gnomAD v4.1: 3 of 707,428 alleles (0.00042%); highest among the groups gnomAD compares: Non-Finnish European, 0.00023%; no homozygotes.

Submission:

GeneDx
Classification: Uncertain significance. Last evaluated: 2025-09-03. Review status: criteria provided, single submitter. Criteria: GeneDx Variant Classification Process June 2021. Collection method: clinical testing. Allele origin: germline. Affected: yes.
Comment: Not observed at significant frequency in large population cohorts (gnomAD); In silico analysis suggests that this missense variant does not alter protein structure/function; Has not been previously published as pathogenic or benign to our knowledge; Reported using an alternate transcript of the gene